The following is an entry in ClinVar:

ClinVar aggregate classification (germline): Benign. Review status: reviewed by expert panel (3 of 4 stars). 5 submissions from 5 submitters: Benign (1). 4 of the submissions do not count toward it. Last evaluated 2019-06-18.

Conditions:
Breast-ovarian cancer, familial, susceptibility to, 1 (BROVCA1). Also called: BRCA1 Hereditary Breast and Ovarian Cancer; OVARIAN CANCER, SUSCEPTIBILITY TO. Identifiers: Orphanet 145, MedGen C2676676, MONDO:0011450, OMIM 604370. Disease mechanism: loss of function.

Allele frequency attached by ClinVar (database versions not stated): gnomAD 0.00015 and 0.00016; TOPMed 0.00025.
gnomAD v4.1: 557 of 1,500,732 alleles (0.037%); highest among the groups gnomAD compares: Non-Finnish European, 0.048%; no homozygotes.

Submissions (5):

Evidence-based Network for the Interpretation of Germline Mutant Alleles (ENIGMA)
Classification: Benign for Breast-ovarian cancer, familial, susceptibility to, 1. Last evaluated: 2019-06-18. Review status: reviewed by expert panel. Criteria: ENIGMA BRCA1/2 Classification Criteria (2017-06-29). Collection method: curation. Allele origin: germline.
Comment: IARC class based on posterior probability from multifactorial likelihood analysis, thresholds for class as per Plon et al. 2008 (PMID: 18951446). Class 1 based on posterior probability = 2.46E-08

BRCAlab, Lund University
Classification: Benign for Breast-ovarian cancer, familial, susceptibility to, 1. Last evaluated: 2020-03-02. Review status: no assertion criteria provided. Collection method: clinical testing. Allele origin: germline. Affected: yes. Not counted in ClinVar's aggregate classification.

Breast Cancer Information Core (BIC) (BRCA1)
Classification: Uncertain significance for Breast-ovarian cancer, familial 1. Last evaluated: 2001-02-15. Review status: no assertion criteria provided. Collection method: clinical testing. Allele origin: germline. Affected: yes. Observed: 1 variant allele. Not counted in ClinVar's aggregate classification.

Clinical Genetics Laboratory, Department of Pathology, Netherlands Cancer Institute
Classification: Likely benign. Review status: no assertion criteria provided. Collection method: clinical testing. Allele origin: germline. Affected: yes. Study: VKGL Data-share Consensus. Not counted in ClinVar's aggregate classification.

Genome Diagnostics Laboratory, University Medical Center Utrecht
Classification: Likely benign. Review status: no assertion criteria provided. Collection method: clinical testing. Allele origin: germline. Affected: yes. Study: VKGL Data-share Consensus. Not counted in ClinVar's aggregate classification.

Literature cited by the submitters: PubMed 31131967 (cited by Evidence-based Network for the Interpretation of Germline Mutant Alleles (ENIGMA)).

NM_007294.4(BRCA1):c.81-65G>C

Gene: BRCA1 (BRCA1 DNA repair associated; minus strand). Cytogenetic location: 17q21.31.
Variant type: single nucleotide variant.
Coding change: c.81-65G>C on transcript NM_007294.4 (MANE Select); 65 bases into the intron before coding-DNA position 81, G replaced by C.
Molecular consequence: intron variant.
Genome position (GRCh38, 1-based): chr17:43,115,844, C>G on the plus strand (G>C on the coding strand, the complement: BRCA1 is on the minus strand). VCF-style: chr17-43115844-C-G. GRCh37 (hg19) VCF-style: chr17-41267861-C-G.
Other names: IVS2-65G>C; c.-61-65G>C (NM_001408458.1, NM_001408470.1, NM_001407848.1 and 47 more transcripts); c.-219+9433G>C (NM_001407967.1); c.-170+9433G>C (NM_001407959.1); c.-7-9311G>C (NM_001407931.1, NM_001407747.1, NM_001408511.1 and 2 more transcripts); c.-223-65G>C (NM_001407962.1, NM_001408512.1, NM_001408510.1 and 1 more transcripts); c.-108-65G>C (NM_001407885.1, NM_001407886.1, NM_001408509.1 and 52 more transcripts); c.-177-65G>C (NM_001407746.1, NM_001408468.1, NM_001407842.1 and 13 more transcripts); and 11 more.
Identifiers: ClinVar variation 125526 (VCV000125526.7), dbSNP rs80358117, ClinGen allele CA003914.